The following is an entry in ClinVar:

ClinVar aggregate classification (germline): Uncertain significance (1 of 4 stars; one submission).

Allele frequency attached by ClinVar (database versions not stated): ExAC 0.00002; TOPMed 0.00002; gnomAD exomes 0.00003; gnomAD 0.00004; ESP Exome Variant Server 0.00008.
gnomAD v4.1: 52 of 1,613,928 alleles (0.0032%); highest among the groups gnomAD compares: Middle Eastern, 0.016%; no homozygotes.

Submission:

Labcorp Genetics (formerly Invitae), Labcorp
Classification: Uncertain significance. Last evaluated: 2025-11-17. Review status: criteria provided, single submitter. Criteria: Invitae Variant Classification Sherloc (09022015). Collection method: clinical testing. Allele origin: germline.
Comment: This sequence change replaces isoleucine, which is neutral and non-polar, with valine, which is neutral and non-polar, at codon 197 of the HERC1 protein (p.Ile197Val). This variant is present in population databases (rs370042990, gnomAD 0.007%). This variant has not been reported in the literature in individuals affected with HERC1-related conditions. ClinVar contains an entry for this variant (Variation ID: 1913281). Invitae Evidence Modeling of protein sequence and biophysical properties (such as structural, functional, and spatial information, amino acid conservation, physicochemical variation, residue mobility, and thermodynamic stability) has been performed for this missense variant. However, the output from this modeling did not meet the statistical confidence thresholds required to predict the impact of this variant on HERC1 protein function. In summary, the available evidence is currently insufficient to determine the role of this variant in disease. Therefore, it has been classified as a Variant of Uncertain Significance.

NM_003922.4(HERC1):c.589A>G (p.Ile197Val)

Gene: HERC1 (HECT and RLD domain containing E3 ubiquitin protein ligase family member 1; minus strand). Cytogenetic location: 15q22.31.
Variant type: single nucleotide variant.
Coding change: c.589A>G on transcript NM_003922.4 (MANE Select); coding-DNA position 589, A replaced by G.
Protein change: p.Ile197Val; replaces isoleucine 197 with valine.
Molecular consequence: missense variant.
Genome position (GRCh38, 1-based): chr15:63,775,035, T>C on the plus strand (A>G on the coding strand, the complement: HERC1 is on the minus strand). VCF-style: chr15-63775035-T-C. GRCh37 (hg19) VCF-style: chr15-64067234-T-C.
Other names: short protein forms I197V.
Identifiers: ClinVar variation 1913281 (VCV001913281.3), dbSNP rs370042990, ClinGen allele CA7606634.